The following is an entry in ClinVar:

ClinVar aggregate classification (germline): Likely benign. Review status: criteria provided, multiple submitters, no conflicts (2 of 4 stars). 2 submissions from 2 submitters: Likely benign (2). Last evaluated 2025-06-23.

Conditions:
Hereditary cancer-predisposing syndrome. Also called: Hereditary neoplastic syndrome; Hereditary Cancer Syndrome; Neoplastic Syndromes, Hereditary; Tumor predisposition. Identifiers: Orphanet 140162, MedGen C0027672, MeSH D009386, MONDO:0015356.

Submissions (2):

Ambry Genetics
Classification: Likely benign for Hereditary cancer-predisposing syndrome. Last evaluated: 2025-06-23. Review status: criteria provided, single submitter. Criteria: Ambry Variant Classification Scheme 2023. Collection method: clinical testing. Allele origin: germline.

Women's Health and Genetics/Laboratory Corporation of America, LabCorp
Classification: Likely benign. Last evaluated: 2023-06-20. Review status: criteria provided, single submitter. Criteria: LabCorp Variant Classification Summary - May 2015. Collection method: clinical testing. Allele origin: germline.
Comment: Variant summary: BRCA2 c.8233C>T alters a non-conserved nucleotide resulting in a synonymous change. One computational tool predicts no significant impact on normal splicing. However, these predictions have yet to be confirmed by functional studies. The variant was absent in 249070 control chromosomes. The available data on variant occurrences in the general population are insufficient to allow any conclusion about variant significance. To our knowledge, no occurrence of c.8233C>T in individuals affected with Hereditary Breast And Ovarian Cancer Syndrome and no experimental evidence demonstrating its impact on protein function have been reported. No submitters have cited clinical-significance assessments for this variant to ClinVar after 2014. Based on the evidence outlined above, the variant was classified as likely benign.

NM_000059.4(BRCA2):c.8233C>T (p.Leu2745=)

Gene: BRCA2 (BRCA2 DNA repair associated; plus strand). Cytogenetic location: 13q13.1.
Variant type: single nucleotide variant.
Coding change: c.8233C>T on transcript NM_000059.4 (MANE Select); coding-DNA position 8233, C replaced by T.
Protein change: p.Leu2745=; no amino-acid change (leucine 2745 retained).
Molecular consequence: synonymous variant. On other transcripts: non-coding transcript variant (1).
Genome position (GRCh38, 1-based): chr13:32,363,435, C>T. VCF-style: chr13-32363435-C-T. GRCh37 (hg19) VCF-style: chr13-32937572-C-T.
Other names: c.8137C>T, p.Leu2713= (NM_001406719.1); c.8233C>T, p.Leu2745= (NM_001406720.1); c.3301C>T, p.Leu1101= (NM_001406721.1); c.1816C>T, p.Leu606= (NM_001406722.1).
Identifiers: ClinVar variation 2573498 (VCV002573498.2), dbSNP rs786201752, ClinGen allele CA483439670.
Genomic context (GRCh38, chr13:32,363,435, plus strand): 5'-TGGTATGCTGTTAAGGCCCAGTTAGATCCTCCCCTCTTAGCTGTCTTAAAGAATGGCAGA[C>T]TGACAGTTGGTCAGAAGATTATTCTTCATGGAGCAGAACTGGTGGGCTCTCCTGATGCCT-3'
Protein context (NP_000050.3, residues 2735-2755): PLLAVLKNGR[Leu2745=]TVGQKIILHG